The following is an entry in ClinVar:

ClinVar aggregate classification (germline): Uncertain significance (1 of 4 stars; one submission).

Submission:

Women's Health and Genetics/Laboratory Corporation of America, LabCorp
Classification: Uncertain significance. Last evaluated: 2025-09-22. Review status: criteria provided, single submitter. Criteria: LabCorp Variant Classification Summary - May 2015. Collection method: clinical testing. Allele origin: germline.
Comment: Variant summary: The variant involves the duplication of exons 1-8 in the F9 gene. A presumed nomenclature of c.(?_-27)_(*1389_?)dup has been designated for the purposes of this classification. This duplication includes the entire coding sequence of the gene. As exact breakpoints are unknown, it may extend beyond the annotated region of the gene, to include other flanking genes. A large duplication encompassing the F9 gene was was found at a frequency of 0.00019 in 15814 control chromosomes. The available data on variant occurrences in the general population are insufficient to allow any conclusion about variant significance. To our knowledge, no occurrence of c.(?_-27)_(*1389_?)dup in individuals affected with F9-related conditions and no experimental evidence demonstrating its impact on protein function have been reported. ClinVar contains an entry for this variant (Variation ID: 2422400). Based on the evidence outlined above, the variant was classified as uncertain significance.

NC_000023.10:g.(?_138612897)_(138645619_?)dup

Gene: F9 (coagulation factor IX; plus strand). Cytogenetic location: Xq27.1.
Variant type: Duplication.
Identifiers: ClinVar variation 4536093 (VCV004536093.1).